The following is an entry in ClinVar:

ClinVar aggregate classification (germline): Uncertain significance. Review status: criteria provided, multiple submitters, no conflicts (2 of 4 stars). 3 submissions from 3 submitters: Uncertain significance (3). Last evaluated 2025-09-10.

Conditions:
Dyskeratosis congenita. Identifiers: Orphanet 1775, MedGen C0265965, MONDO:0015780.
Idiopathic Pulmonary Fibrosis. Also called: Idiopathic fibrosing alveolitis, chronic form; idiopathic fibrosing alveolitis. Identifiers: Orphanet 2032, MedGen C1800706, MeSH D054990, MONDO:0800504.
Dyskeratosis congenita, autosomal dominant 2. Identifiers: MedGen C3151443, MONDO:0013521, OMIM 613989.

Allele frequency attached by ClinVar (database versions not stated): TOPMed 0.00002; gnomAD exomes 0.00001 and 0.00002; ExAC 0.00008.
gnomAD v4.1: 15 of 1,580,618 alleles (0.00095%); highest among the groups gnomAD compares: Non-Finnish European, 0.0013%; no homozygotes.

Submissions (3):

GeneDx
Classification: Uncertain significance. Last evaluated: 2025-09-10. Review status: criteria provided, single submitter. Criteria: GeneDx Variant Classification Process June 2021. Collection method: clinical testing. Allele origin: germline.
Comment: Not observed at significant frequency in large population cohorts (gnomAD); In silico analysis suggests that this missense variant does not alter protein structure/function; Has not been previously published as pathogenic or benign to our knowledge

Ambry Genetics
Classification: Uncertain significance for Dyskeratosis congenita. Last evaluated: 2025-07-09. Review status: criteria provided, single submitter. Criteria: Ambry Variant Classification Scheme 2023. Collection method: clinical testing. Allele origin: germline.
Comment: The p.A242P variant (also known as c.724G>C), located in coding exon 2 of the TERT gene, results from a G to C substitution at nucleotide position 724. The alanine at codon 242 is replaced by proline, an amino acid with highly similar properties. This amino acid position is poorly conserved in available vertebrate species. In addition, this alteration is predicted to be tolerated by in silico analysis. Based on the available evidence, the clinical significance of this variant remains unclear.

Labcorp Genetics (formerly Invitae), Labcorp
Classification: Uncertain significance for Dyskeratosis congenita, autosomal dominant 2; Idiopathic Pulmonary Fibrosis. Last evaluated: 2023-11-27. Review status: criteria provided, single submitter. Criteria: Invitae Variant Classification Sherloc (09022015). Collection method: clinical testing. Allele origin: germline.
Comment: This sequence change replaces alanine, which is neutral and non-polar, with proline, which is neutral and non-polar, at codon 242 of the TERT protein (p.Ala242Pro). This variant is present in population databases (rs766054124, gnomAD 0.004%). This variant has not been reported in the literature in individuals affected with TERT-related conditions. ClinVar contains an entry for this variant (Variation ID: 471901). Advanced modeling of protein sequence and biophysical properties (such as structural, functional, and spatial information, amino acid conservation, physicochemical variation, residue mobility, and thermodynamic stability) performed at Invitae indicates that this missense variant is not expected to disrupt TERT protein function with a negative predictive value of 95%. In summary, the available evidence is currently insufficient to determine the role of this variant in disease. Therefore, it has been classified as a Variant of Uncertain Significance.

NM_198253.3(TERT):c.724G>C (p.Ala242Pro)

Gene: TERT (telomerase reverse transcriptase; minus strand). Cytogenetic location: 5p15.33.
Variant type: single nucleotide variant.
Coding change: c.724G>C on transcript NM_198253.3 (MANE Select); coding-DNA position 724, G replaced by C.
Protein change: p.Ala242Pro; replaces alanine 242 with proline.
Molecular consequence: missense variant. On other transcripts: non-coding transcript variant (2).
Genome position (GRCh38, 1-based): chr5:1,294,162, C>G on the plus strand (G>C on the coding strand, the complement: TERT is on the minus strand). VCF-style: chr5-1294162-C-G. GRCh37 (hg19) VCF-style: chr5-1294277-C-G.
Other names: c.724G>C, p.Ala242Pro (NM_001193376.3); short protein forms A242P.
Identifiers: ClinVar variation 471901 (VCV000471901.52), dbSNP rs766054124, ClinGen allele CA3184925.